The following is an entry in ClinVar:

NM_031924.8(RSPH3):c.203T>A (p.Leu68Gln)

Gene: RSPH3 (radial spoke head 3; minus strand). Cytogenetic location: 6q25.3.
Variant type: single nucleotide variant.
Coding change: c.203T>A on transcript NM_031924.8 (MANE Select); coding-DNA position 203, T replaced by A.
Protein change: p.Leu68Gln; replaces leucine 68 with glutamine.
Molecular consequence: missense variant. On other transcripts: non-coding transcript variant (1).
Genome position (GRCh38, 1-based): chr6:158,993,840, A>T on the plus strand (T>A on the coding strand, the complement: RSPH3 is on the minus strand). VCF-style: chr6-158993840-A-T. GRCh37 (hg19) VCF-style: chr6-159414872-A-T.
Other names: c.629T>A, p.Leu210Gln (NM_001346418.1); short protein forms L210Q, L68Q.
Identifiers: ClinVar variation 2182327 (VCV002182327.1), dbSNP rs781740377, ClinGen allele CA4075969.

ClinVar aggregate classification (germline): Uncertain significance (1 of 4 stars; one submission).

Conditions:
Primary ciliary dyskinesia 32. Also called: CILIARY DYSKINESIA, PRIMARY, 32, WITHOUT SITUS INVERSUS. Identifiers: Orphanet 244, MedGen C4225311, MONDO:0014657, OMIM 616481.

Allele frequency attached by ClinVar (database versions not stated): gnomAD exomes below 0.00001; gnomAD 0.00001; ExAC 0.00004; TOPMed 0.00006.
gnomAD v4.1: 9 of 1,576,628 alleles (0.00057%); highest among the groups gnomAD compares: Admixed American, 0.012%; no homozygotes.

Submission:

Labcorp Genetics (formerly Invitae), Labcorp
Classification: Uncertain significance for Primary ciliary dyskinesia 32. Last evaluated: 2022-09-07. Review status: criteria provided, single submitter. Criteria: Invitae Variant Classification Sherloc (09022015). Collection method: clinical testing. Allele origin: germline.
Comment: This sequence change replaces leucine, which is neutral and non-polar, with glutamine, which is neutral and polar, at codon 210 of the RSPH3 protein (p.Leu210Gln). This variant is present in population databases (rs781740377, gnomAD 0.01%). This variant has not been reported in the literature in individuals affected with RSPH3-related conditions. Algorithms developed to predict the effect of missense changes on protein structure and function output the following: SIFT: "Deleterious"; PolyPhen-2: "Benign"; Align-GVGD: "Class C0". The glutamine amino acid residue is found in multiple mammalian species, which suggests that this missense change does not adversely affect protein function. In summary, the available evidence is currently insufficient to determine the role of this variant in disease. Therefore, it has been classified as a Variant of Uncertain Significance.